The following is an entry in ClinVar:

NM_000844.4(GRM7):c.222C>T (p.Asn74=)

Gene: GRM7 (glutamate metabotropic receptor 7; plus strand). Cytogenetic location: 3p26.1.
Variant type: single nucleotide variant.
Coding change: c.222C>T on transcript NM_000844.4 (MANE Select); coding-DNA position 222, C replaced by T.
Protein change: p.Asn74=; no amino-acid change (asparagine 74 retained).
Molecular consequence: synonymous variant.
Genome position (GRCh38, 1-based): chr3:6,861,610, C>T. VCF-style: chr3-6861610-C-T. GRCh37 (hg19) VCF-style: chr3-6903297-C-T.
Other names: c.222C>T (NM_000844.3); c.222C>T, p.Asn74= (NM_181874.3).
Identifiers: ClinVar variation 1164859 (VCV001164859.10), dbSNP rs3749380, ClinGen allele CA2234539.

ClinVar aggregate classification (germline): Benign. Review status: criteria provided, multiple submitters, no conflicts (2 of 4 stars). 3 submissions from 3 submitters: Benign (2). 1 of the submissions does not count toward it. Last evaluated 2026-02-02.

Conditions:
GRM7-related disorder. Also called: GRM7-related condition.

Allele frequency attached by ClinVar (database versions not stated): gnomAD 0.37363 and 0.36532; gnomAD exomes 0.39829 and 0.40022; ExAC 0.41781; TOPMed 0.36839; ESP Exome Variant Server 0.35883; 1000 Genomes Project 0.41693; 1000 Genomes Project 30x 0.41927.
gnomAD v4.1: 637,611 of 1,610,478 alleles (40%); highest among the groups gnomAD compares: South Asian, 56%; 127,914 homozygotes.

Submissions (3):

Labcorp Genetics (formerly Invitae), Labcorp
Classification: Benign. Last evaluated: 2026-02-02. Review status: criteria provided, single submitter. Criteria: Invitae Variant Classification Sherloc (09022015). Collection method: clinical testing. Allele origin: germline.

Breakthrough Genomics
Classification: Benign. Review status: criteria provided, single submitter. Criteria: ACMG Guidelines, 2015. Collection method: not provided. Allele origin: germline. Inheritance: Autosomal recessive inheritance. Affected: yes.

PreventionGenetics, part of Exact Sciences
Classification: Benign for GRM7-related condition. Last evaluated: 2019-10-17. Review status: no assertion criteria provided. Collection method: clinical testing. Allele origin: germline. Not counted in ClinVar's aggregate classification.
Comment: This variant is classified as benign based on ACMG/AMP sequence variant interpretation guidelines (Richards et al. 2015 PMID: 25741868, with internal and published modifications).